The following is an entry in ClinVar:

NM_024795.4(TM4SF20):c.295C>G (p.Leu99Val)

Gene: TM4SF20 (transmembrane 4 L six family member 20; minus strand). Cytogenetic location: 2q36.3.
Variant type: single nucleotide variant.
Coding change: c.295C>G on transcript NM_024795.4 (MANE Select); coding-DNA position 295, C replaced by G.
Protein change: p.Leu99Val; replaces leucine 99 with valine.
Molecular consequence: missense variant.
Genome position (GRCh38, 1-based): chr2:227,366,199, G>C on the plus strand (C>G on the coding strand, the complement: TM4SF20 is on the minus strand). VCF-style: chr2-227366199-G-C. GRCh37 (hg19) VCF-style: chr2-228230915-G-C.
Other names: c.295C>G (NM_024795.3); short protein forms L99V.
Identifiers: ClinVar variation 1525941 (VCV001525941.7), dbSNP rs752719190, ClinGen allele CA2148230.

ClinVar aggregate classification (germline): Conflicting classifications of pathogenicity. Review status: criteria provided, conflicting classifications (1 of 4 stars). 2 submissions from 2 submitters: Uncertain significance (1); Likely benign (1). Last evaluated 2025-03-24.

Allele frequency attached by ClinVar (database versions not stated): gnomAD 0.00001; TOPMed 0.00005; gnomAD exomes 0.00009; ExAC 0.00010.
gnomAD v4.1: 27 of 1,613,640 alleles (0.0017%); highest among the groups gnomAD compares: Admixed American, 0.033%; 1 homozygote.

Submissions (2):

Ambry Genetics
Classification: Likely benign. Last evaluated: 2025-03-24. Review status: criteria provided, single submitter. Criteria: Ambry Variant Classification Scheme 2023. Collection method: clinical testing. Allele origin: germline.

Labcorp Genetics (formerly Invitae), Labcorp
Classification: Uncertain significance. Last evaluated: 2022-06-20. Review status: criteria provided, single submitter. Criteria: Invitae Variant Classification Sherloc (09022015). Collection method: clinical testing. Allele origin: germline.
Comment: This sequence change replaces leucine with valine at codon 99 of the TM4SF20 protein (p.Leu99Val). The leucine residue is weakly conserved and there is a small physicochemical difference between leucine and valine. In summary, the available evidence is currently insufficient to determine the role of this variant in disease. Therefore, it has been classified as a Variant of Uncertain Significance. Algorithms developed to predict the effect of missense changes on protein structure and function output the following: SIFT: "Not Available"; PolyPhen-2: "Benign"; Align-GVGD: "Not Available". The valine amino acid residue is found in multiple mammalian species, which suggests that this missense change does not adversely affect protein function. This variant has not been reported in the literature in individuals affected with TM4SF20-related conditions. This variant is present in population databases (rs752719190, gnomAD 0.06%), and has an allele count higher than expected for a pathogenic variant.